The following is an entry in ClinVar:

ClinVar aggregate classification (germline): Uncertain significance (1 of 4 stars; one submission).

Conditions:
Hypokalemic periodic paralysis, type 1. Also called: HypoPP; Hypokalemic Periodic Paralysis Type 1 (AD). Identifiers: Orphanet 681, MedGen C3714580, MONDO:0042979, OMIM 170400.
Malignant hyperthermia, susceptibility to, 5 (MHS5). Also called: CACNA1S-Related Malignant Hyperthermia Susceptibility. Identifiers: Orphanet 423, MedGen C1866077, MONDO:0011163, OMIM 601887.

Allele frequency attached by ClinVar (database versions not stated): gnomAD exomes below 0.00001.
gnomAD v4.1: 3 of 1,611,400 alleles (0.00019%); highest among the groups gnomAD compares: South Asian, 0.0033%; no homozygotes.

Submission:

Labcorp Genetics (formerly Invitae), Labcorp
Classification: Uncertain significance for Hypokalemic periodic paralysis, type 1; Malignant hyperthermia, susceptibility to, 5. Last evaluated: 2023-05-22. Review status: criteria provided, single submitter. Criteria: Invitae Variant Classification Sherloc (09022015). Collection method: clinical testing. Allele origin: germline.
Comment: In summary, the available evidence is currently insufficient to determine the role of this variant in disease. Therefore, it has been classified as a Variant of Uncertain Significance. Variants that disrupt the consensus splice site are a relatively common cause of aberrant splicing (PMID: 17576681, 9536098). Algorithms developed to predict the effect of sequence changes on RNA splicing suggest that this variant may disrupt the consensus splice site. ClinVar contains an entry for this variant (Variation ID: 1517808). This variant has not been reported in the literature in individuals affected with CACNA1S-related conditions. This variant is not present in population databases (gnomAD no frequency). This sequence change falls in intron 15 of the CACNA1S gene. It does not directly change the encoded amino acid sequence of the CACNA1S protein. It affects a nucleotide within the consensus splice site.

Literature cited by the submitters: PubMed 17576681; PubMed 9536098.

NM_000069.3(CACNA1S):c.2157+3G>A

Gene: CACNA1S (calcium voltage-gated channel subunit alpha1 S; minus strand). Cytogenetic location: 1q32.1.
Variant type: single nucleotide variant.
Coding change: c.2157+3G>A on transcript NM_000069.3 (MANE Select); 3 bases into the intron after coding-DNA position 2157, G replaced by A.
Molecular consequence: intron variant.
Genome position (GRCh38, 1-based): chr1:201,073,546, C>T on the plus strand (G>A on the coding strand, the complement: CACNA1S is on the minus strand). VCF-style: chr1-201073546-C-T. GRCh37 (hg19) VCF-style: chr1-201042674-C-T.
Identifiers: ClinVar variation 1517808 (VCV001517808.6), dbSNP rs2102136981, ClinGen allele CA2573131411.